The following is an entry in ClinVar:

ClinVar aggregate classification (germline): Uncertain significance (1 of 4 stars; one submission).

Conditions:
Charcot-Marie-Tooth disease type 4B2. Also called: Charcot-Marie-Tooth Neuropathy Type 4B2; CMT 4B2; CHARCOT-MARIE-TOOTH DISEASE, DEMYELINATING, TYPE 4B2; CHARCOT-MARIE-TOOTH DISEASE, WITH FOCALLY FOLDED MYELIN SHEATHS, AUTOSOMAL RECESSIVE, TYPE 4B2. Identifiers: Orphanet 99956, MedGen C1858278, MONDO:0011475, OMIM 604563.

Submission:

Kariminejad - Najmabadi Pathology & Genetics Center
Classification: Uncertain significance for Charcot-Marie-Tooth disease type 4B2. Last evaluated: 2021-04-14. Review status: criteria provided, single submitter. Criteria: ACMG Guidelines, 2015. Collection method: clinical testing. Allele origin: germline. Inheritance: Autosomal recessive inheritance. Affected: yes.
Comment: PM2, PP3, PP4

NM_030962.4(SBF2):c.2610G>T (p.Lys870Asn)

Genes: SBF2 (SET binding factor 2; minus strand), LOC101928008 (uncharacterized LOC101928008; plus strand). Cytogenetic location: 11p15.4.
Variant type: single nucleotide variant.
Coding change: c.2610G>T on transcript NM_030962.4 (MANE Select); coding-DNA position 2610, G replaced by T.
Protein change: p.Lys870Asn; replaces lysine 870 with asparagine.
Molecular consequence: missense variant.
Genome position (GRCh38, 1-based): chr11:9,852,676, C>A on the plus strand (G>T on the coding strand, the complement: SBF2 is on the minus strand). VCF-style: chr11-9852676-C-A. GRCh37 (hg19) VCF-style: chr11-9874223-C-A.
Other names: c.2610G>T, p.Lys870Asn (NM_001386339.1); c.2481G>T, p.Lys827Asn (NM_001386342.1); c.2646G>T, p.Lys882Asn (NM_001424318.1, NM_001425069.1, NM_001425070.1); short protein forms K827N, K870N, K882N.
Identifiers: ClinVar variation 3896985 (VCV003896985.1).
Genomic context (GRCh38, chr11:9,852,676, plus strand): 5'-GTCTATTGTTTGTTTTTAAGAAGAGAGGCTATACCCTGAAAGCATGTAGTCTGGAATTAC[C>A]TTCTGAATAGGCGGAAGTCTTCTGCTTTCTCGATGTACTGCTTCTAGGGTCTCAATGTGC-3'
Protein context (NP_112224.1, residues 860-880): RESRRLPPIQ[Lys870Asn]PKILRPALLP